The following is an entry in ClinVar:

ClinVar aggregate classification (germline): Uncertain significance (1 of 4 stars; one submission).

Conditions:
Gamma-aminobutyric acid transaminase deficiency (GABATD). Also called: GABA transaminase deficiency; Gamma aminobutyrate transaminase deficiency; 4 alpha aminobutyrate transaminase deficiency; GABA aminotransaminase deficiency. Identifiers: Orphanet 2066, MedGen C0342708, MONDO:0013166, OMIM 613163.

Allele frequency attached by ClinVar (database versions not stated): gnomAD exomes 0.00003; gnomAD 0.00007 and 0.00006; ExAC 0.00002; TOPMed 0.00004.
gnomAD v4.1: 48 of 1,613,836 alleles (0.003%); highest among the groups gnomAD compares: African/African-American, 0.004%; no homozygotes.

Submission:

Labcorp Genetics (formerly Invitae), Labcorp
Classification: Uncertain significance for Gamma-aminobutyric acid transaminase deficiency. Last evaluated: 2022-07-12. Review status: criteria provided, single submitter. Criteria: Invitae Variant Classification Sherloc (09022015). Collection method: clinical testing. Allele origin: germline.
Comment: This sequence change replaces arginine, which is basic and polar, with glutamine, which is neutral and polar, at codon 310 of the ABAT protein (p.Arg310Gln). This variant is present in population databases (rs778974775, gnomAD 0.005%). This variant has not been reported in the literature in individuals affected with ABAT-related conditions. ClinVar contains an entry for this variant (Variation ID: 656546). Algorithms developed to predict the effect of missense changes on protein structure and function (SIFT, PolyPhen-2, Align-GVGD) all suggest that this variant is likely to be tolerated. Algorithms developed to predict the effect of sequence changes on RNA splicing suggest that this variant may create or strengthen a splice site. In summary, the available evidence is currently insufficient to determine the role of this variant in disease. Therefore, it has been classified as a Variant of Uncertain Significance.

NM_020686.6(ABAT):c.929G>A (p.Arg310Gln)

Gene: ABAT (4-aminobutyrate aminotransferase; plus strand). Cytogenetic location: 16p13.2.
Variant type: single nucleotide variant.
Coding change: c.929G>A on transcript NM_020686.6 (MANE Select); coding-DNA position 929, G replaced by A.
Protein change: p.Arg310Gln; replaces arginine 310 with glutamine.
Molecular consequence: missense variant.
Genome position (GRCh38, 1-based): chr16:8,772,892, G>A. VCF-style: chr16-8772892-G-A. GRCh37 (hg19) VCF-style: chr16-8866749-G-A.
Other names: c.929G>A, p.Arg310Gln (NM_000663.5, NM_001127448.2, NM_001386600.1 and 6 more transcripts); c.890G>A, p.Arg297Gln (NM_001386605.1); c.866G>A, p.Arg289Gln (NM_001386606.1, NM_001386607.1); c.836G>A, p.Arg279Gln (NM_001386608.1); c.794G>A, p.Arg265Gln (NM_001386610.1, NM_001386611.1); c.731G>A, p.Arg244Gln (NM_001386612.1, NM_001386613.1); c.683G>A, p.Arg228Gln (NM_001386614.1); c.1025G>A, p.Arg342Gln (NM_001386615.1); short protein forms R310Q, R228Q, R244Q, R265Q, R279Q, R289Q, R297Q, R342Q.
Identifiers: ClinVar variation 656546 (VCV000656546.8), dbSNP rs778974775, ClinGen allele CA7893354.